The following is an entry in ClinVar:

ClinVar aggregate classification (germline): Uncertain significance (1 of 4 stars; one submission).

gnomAD v4.1: 1 of 1,614,230 alleles (0.000062%); highest among the groups gnomAD compares: Admixed American, 0.0017%; no homozygotes.

Submission:

Labcorp Genetics (formerly Invitae), Labcorp
Classification: Uncertain significance. Last evaluated: 2024-09-29. Review status: criteria provided, single submitter. Criteria: Invitae Variant Classification Sherloc (09022015). Collection method: clinical testing. Allele origin: germline.
Comment: This sequence change replaces glycine, which is neutral and non-polar, with arginine, which is basic and polar, at codon 305 of the LHX4 protein (p.Gly305Arg). This variant is not present in population databases (gnomAD no frequency). This variant has not been reported in the literature in individuals affected with LHX4-related conditions. Invitae Evidence Modeling of protein sequence and biophysical properties (such as structural, functional, and spatial information, amino acid conservation, physicochemical variation, residue mobility, and thermodynamic stability) indicates that this missense variant is not expected to disrupt LHX4 protein function with a negative predictive value of 80%. In summary, the available evidence is currently insufficient to determine the role of this variant in disease. Therefore, it has been classified as a Variant of Uncertain Significance.

NM_033343.4(LHX4):c.913G>A (p.Gly305Arg)

Genes: ACBD6 (acyl-CoA binding domain containing 6; minus strand), LHX4 (LIM homeobox 4; plus strand), LHX4-AS1 (LHX4 antisense RNA 1; minus strand). Cytogenetic location: 1q25.2.
Variant type: single nucleotide variant.
Coding change: c.913G>A on transcript NM_033343.4 (MANE Select); coding-DNA position 913, G replaced by A.
Protein change: p.Gly305Arg; replaces glycine 305 with arginine.
Molecular consequence: missense variant.
Genome position (GRCh38, 1-based): chr1:180,274,319, G>A. VCF-style: chr1-180274319-G-A. GRCh37 (hg19) VCF-style: chr1-180243454-G-A.
Other names: short protein forms G305R.
Identifiers: ClinVar variation 3686235 (VCV003686235.2).